The following is an entry in ClinVar:

ClinVar aggregate classification (germline): Benign (1 of 4 stars; one submission).

Allele frequency attached by ClinVar (database versions not stated): 1000 Genomes Project 30x 0.00515; 1000 Genomes Project 0.00539; ESP Exome Variant Server 0.00884; TOPMed 0.00888; ExAC 0.00948; gnomAD exomes 0.01083.
gnomAD v4.1: 17,062 of 1,610,766 alleles (1.1%); highest among the groups gnomAD compares: Non-Finnish European, 1.2%; 114 homozygotes.

Submission:

CeGaT Center for Human Genetics Tuebingen
Classification: Benign. Last evaluated: 2023-12-01. Review status: criteria provided, single submitter. Criteria: CeGaT Center For Human Genetics Tuebingen Variant Classification Criteria Version 2. Collection method: clinical testing. Allele origin: germline. Affected: yes. Observed: 2 variant alleles.
Comment: BIRC5: BP4, BS1, BS2

NM_001168.3(BIRC5):c.*50G>C

Gene: BIRC5 (baculoviral IAP repeat containing 5; plus strand). Cytogenetic location: 17q25.3.
Variant type: single nucleotide variant.
Coding change: c.*50G>C on transcript NM_001168.3 (MANE Select); 50 bases downstream of the stop codon, G replaced by C.
Molecular consequence: 3 prime UTR variant. On other transcripts: missense variant (1).
Genome position (GRCh38, 1-based): chr17:78,223,604, G>C. VCF-style: chr17-78223604-G-C. GRCh37 (hg19) VCF-style: chr17-76219685-G-C.
Other names: c.361G>C, p.Gly121Arg (NM_001012270.2); c.*50G>C (NM_001012271.2); short protein forms G121R.
Identifiers: ClinVar variation 2648339 (VCV002648339.24), dbSNP rs17885521, ClinGen allele CA8798650.